The following is an entry in ClinVar:

NM_001195553.2(DCX):c.11A>G (p.Asp4Gly)

Gene: DCX (doublecortin; minus strand). Cytogenetic location: Xq23.
Variant type: single nucleotide variant.
Coding change: c.11A>G on transcript NM_001195553.2 (MANE Select); coding-DNA position 11, A replaced by G.
Protein change: p.Asp4Gly; replaces aspartic acid 4 with glycine.
Molecular consequence: missense variant.
Genome position (GRCh38, 1-based): chrX:111,410,388, T>C on the plus strand (A>G on the coding strand, the complement: DCX is on the minus strand). VCF-style: chrX-111410388-T-C. GRCh37 (hg19) VCF-style: chrX-110653616-T-C.
Other names: c.254A>G, p.Asp85Gly (NM_000555.3); c.11A>G, p.Asp4Gly (NM_001369370.1, NM_001369371.1, NM_001369372.1 and 6 more transcripts); short protein forms D4G, D85G.
Identifiers: ClinVar variation 4996784 (VCV004996784.1).

ClinVar aggregate classification (germline): Uncertain significance (1 of 4 stars; one submission).

Conditions:
DCX-related disorder. Also called: DCX-related condition; DCX-Related Disorders. Identifiers: MedGen CN381525.

Submission:

PreventionGenetics, part of Exact Sciences
Classification: Uncertain significance for DCX-related condition. Last evaluated: 2025-05-01. Review status: criteria provided, single submitter. Criteria: ACMG Guidelines, 2015. Collection method: clinical testing. Allele origin: germline.
Comment: The DCX c.254A>G variant is predicted to result in the amino acid substitution p.Asp85Gly. To our knowledge, this variant has not been reported in the literature or in a large population database (gnomAD), indicating this variant is rare. At this time, the clinical significance of this variant is uncertain due to the absence of conclusive functional and genetic evidence.